The following is an entry in ClinVar:

NM_012293.3(PXDN):c.1838-231CTT[2]

Gene: PXDN (peroxidasin; minus strand). Cytogenetic location: 2p25.3.
Variant type: Microsatellite.
Coding change: c.1838-231CTT[2] on transcript NM_012293.3 (MANE Select); two copies in a row of the 3-base unit CTT starting at c.1838-231; the reference has three copies in a row; one copy, 3 bases deleted.
Molecular consequence: intron variant.
Genome position (GRCh38, 1-based): chr2:1,654,731-1,654,733, AAG deleted on the plus strand (CTT on the coding strand, the reverse complement: PXDN is on the minus strand); deleting any 3 consecutive bases within chr2:1,654,731-1,654,740 gives the same sequence; the position shown is the placement nearest the transcript's 3' end. VCF-style (leftmost placement, unchanged base first): chr2-1654730-TAAG-T. GRCh37 (hg19) VCF-style: chr2-1658502-TAAG-T.
Identifiers: ClinVar variation 1706898 (VCV001706898.2), dbSNP rs138790096, ClinGen allele CA41404214.

ClinVar aggregate classification (germline): Likely benign (1 of 4 stars; one submission).

Submission:

GeneDx
Classification: Likely benign. Last evaluated: 2020-05-25. Review status: criteria provided, single submitter. Criteria: GeneDx Variant Classification Process June 2021. Collection method: clinical testing. Allele origin: germline. Affected: yes.
Comment: See Variant Classification Assertion Criteria.